The following is an entry in ClinVar:

NM_016222.4(DDX41):c.986del (p.Gln329fs)

Gene: DDX41 (DEAD-box helicase 41; minus strand). Cytogenetic location: 5q35.3.
Variant type: Deletion.
Coding change: c.986del on transcript NM_016222.4 (MANE Select); coding-DNA position 986, one base deleted (A; older notation c.986delA).
Protein change: p.Gln329fs; shifts the reading frame from glutamine 329.
Molecular consequence: frameshift variant.
Genome position (GRCh38, 1-based): chr5:177,513,797, T deleted on the plus strand (A on the coding strand, the reverse complement: DDX41 is on the minus strand). VCF-style (leftmost placement, unchanged base first): chr5-177513796-CT-C. GRCh37 (hg19) VCF-style: chr5-176940797-CT-C.
Other names: c.986delA (NM_016222.3); c.608del, p.Gln203fs (NM_001321732.2, NM_001321830.2); short protein forms Q203fs, Q329fs.
Identifiers: ClinVar variation 1338505 (VCV001338505.5), dbSNP rs1291520734, ClinGen allele CA808105619.

ClinVar aggregate classification (germline): Pathogenic. Review status: criteria provided, single submitter (1 of 4 stars). 2 submissions from 2 submitters: Pathogenic (1). 1 of the submissions does not count toward it. Last evaluated 2019-03-29.

Conditions:
DDX41-related hematologic malignancy predisposition syndrome. Also called: Myeloproliferative/lymphoproliferative neoplasms, familial (multiple types), susceptibility to; DDX41-Associated Familial Myelodysplastic Syndrome and Acute Myeloid Leukemia. Identifiers: Orphanet 488647, MedGen C4225174, MONDO:0014809, OMIM 616871.

Allele frequency attached by ClinVar (database versions not stated): gnomAD exomes below 0.00001; TOPMed 0.00001.

Submissions (2):

Genetic Services Laboratory, University of Chicago
Classification: Pathogenic. Last evaluated: 2019-03-29. Review status: criteria provided, single submitter. Criteria: ACMG Guidelines, 2015. Collection method: clinical testing. Allele origin: germline. Affected: yes.
Comment: DNA sequence analysis of the DDX41 gene demonstrated a single base pair deletion in exon 10, c.986del. This pathogenic sequence change results in an amino acid frameshift and creates a premature stop codon 6 amino acids downstream of the mutation, p.Gln329Argfs*7. This pathogenic sequence change is predicted to result in an abnormal transcript, which may be degraded, or may lead to the production of a truncated DDX41 protein with potentially abnormal function. The c.986del sequence change is absent from large population databases such as ExAC and gnomAD.

Clinical Genomics Labs, University Health Network
Classification: Pathogenic for DDX41-related hematologic malignancy predisposition syndrome. Last evaluated: 2018-10-31. Review status: no assertion criteria provided. Criteria: ACMG Guidelines, 2015. Collection method: clinical testing. Allele origin: germline. Affected: yes. Not counted in ClinVar's aggregate classification.